The following is an entry in ClinVar:

NM_001164508.2(NEB):c.11207A>T (p.Glu3736Val)

Gene: NEB (nebulin; minus strand). Cytogenetic location: 2q23.3.
Variant type: single nucleotide variant.
Coding change: c.11207A>T on transcript NM_001164508.2 (MANE Select); coding-DNA position 11207, A replaced by T.
Protein change: p.Glu3736Val; replaces glutamic acid 3736 with valine.
Molecular consequence: missense variant.
Genome position (GRCh38, 1-based): chr2:151,616,084, T>A on the plus strand (A>T on the coding strand, the complement: NEB is on the minus strand). VCF-style: chr2-151616084-T-A. GRCh37 (hg19) VCF-style: chr2-152472598-T-A.
Other names: c.11207A>T, p.Glu3736Val (NM_001164507.2, NM_001271208.2); c.10478A>T, p.Glu3493Val (NM_004543.5); short protein forms E3493V, E3736V.
Identifiers: ClinVar variation 2106830 (VCV002106830.4), dbSNP rs1295862667, ClinGen allele CA348784085.

ClinVar aggregate classification (germline): Uncertain significance (1 of 4 stars; one submission).

Conditions:
Nemaline myopathy 2 (NEM2). Also called: Nemaline myopathy 2, autosomal recessive. Identifiers: MedGen C1850569, MONDO:0009725, OMIM 256030.

gnomAD v4.1: 1 of 1,612,668 alleles (0.000062%); no homozygotes.

Submission:

Labcorp Genetics (formerly Invitae), Labcorp
Classification: Uncertain significance for Nemaline myopathy 2. Last evaluated: 2022-03-14. Review status: criteria provided, single submitter. Criteria: Invitae Variant Classification Sherloc (09022015). Collection method: clinical testing. Allele origin: germline.
Comment: This variant has not been reported in the literature in individuals affected with NEB-related conditions. This sequence change replaces glutamic acid, which is acidic and polar, with valine, which is neutral and non-polar, at codon 3736 of the NEB protein (p.Glu3736Val). This variant is present in population databases (no rsID available, gnomAD 0.003%). Algorithms developed to predict the effect of missense changes on protein structure and function are either unavailable or do not agree on the potential impact of this missense change (SIFT: "Deleterious"; PolyPhen-2: "Not Available"; Align-GVGD: "Class C0"). In summary, the available evidence is currently insufficient to determine the role of this variant in disease. Therefore, it has been classified as a Variant of Uncertain Significance.